The following is an entry in ClinVar:

ClinVar aggregate classification (germline): Uncertain significance (1 of 4 stars; one submission).

Conditions:
Familial cancer of breast. Also called: BREAST CANCER, FAMILIAL; Hereditary breast cancer; hereditary breast carcinoma. Identifiers: Orphanet 227535, MedGen C0346153, MONDO:0016419, OMIM 114480. Disease mechanism: loss of function.
Fanconi anemia complementation group J. Also called: BRIP1-Related Fanconi Anemia. Identifiers: Orphanet 84, MedGen C1836860, MONDO:0012187, OMIM 609054.

Submission:

Labcorp Genetics (formerly Invitae), Labcorp
Classification: Uncertain significance for Familial cancer of breast; Fanconi anemia complementation group J. Last evaluated: 2023-09-03. Review status: criteria provided, single submitter. Criteria: Invitae Variant Classification Sherloc (09022015). Collection method: clinical testing. Allele origin: germline.
Comment: In summary, the available evidence is currently insufficient to determine the role of this variant in disease. Therefore, it has been classified as a Variant of Uncertain Significance. Algorithms developed to predict the effect of missense changes on protein structure and function output the following: SIFT: "Not Available"; PolyPhen-2: "Benign"; Align-GVGD: "Not Available". The arginine amino acid residue is found in multiple mammalian species, which suggests that this missense change does not adversely affect protein function. ClinVar contains an entry for this variant (Variation ID: 2129092). This variant has not been reported in the literature in individuals affected with BRIP1-related conditions. This variant is not present in population databases (gnomAD no frequency). This sequence change replaces threonine, which is neutral and polar, with arginine, which is basic and polar, at codon 1038 of the BRIP1 protein (p.Thr1038Arg).

NM_032043.3(BRIP1):c.3113C>G (p.Thr1038Arg)

Gene: BRIP1 (BRCA1 interacting DNA helicase 1; minus strand). Cytogenetic location: 17q23.2.
Variant type: single nucleotide variant.
Coding change: c.3113C>G on transcript NM_032043.3 (MANE Select); coding-DNA position 3113, C replaced by G.
Protein change: p.Thr1038Arg; replaces threonine 1038 with arginine.
Molecular consequence: missense variant.
Genome position (GRCh38, 1-based): chr17:61,683,933, G>C on the plus strand (C>G on the coding strand, the complement: BRIP1 is on the minus strand). VCF-style: chr17-61683933-G-C. GRCh37 (hg19) VCF-style: chr17-59761294-G-C.
Other names: short protein forms T1038R.
Identifiers: ClinVar variation 2129092 (VCV002129092.4), dbSNP rs2061319540, ClinGen allele CA400479700.